The following is an entry in ClinVar:

ClinVar aggregate classification (germline): Likely benign. Review status: criteria provided, single submitter (1 of 4 stars). 2 submissions from 2 submitters: Likely benign (1). 1 of the submissions does not count toward it. Last evaluated 2024-03-09.

Conditions:
PMM2-related disorder. Also called: PMM2-related condition.

Allele frequency attached by ClinVar (database versions not stated): gnomAD exomes 0.00002; TOPMed 0.00019; gnomAD 0.00023; 1000 Genomes Project 30x 0.00047; 1000 Genomes Project 0.00060.

Submissions (2):

Blueprint Genetics
Classification: Likely benign. Last evaluated: 2024-03-09. Review status: criteria provided, single submitter. Criteria: ACMG Guidelines, 2015. Collection method: clinical testing. Allele origin: germline.

PreventionGenetics, part of Exact Sciences
Classification: Likely benign for PMM2-related condition. Last evaluated: 2022-10-24. Review status: no assertion criteria provided. Collection method: clinical testing. Allele origin: germline. Not counted in ClinVar's aggregate classification.
Comment: This variant is classified as likely benign based on ACMG/AMP sequence variant interpretation guidelines (Richards et al. 2015 PMID: 25741868, with internal and published modifications).

NC_000016.10:g.8797723G>A

Gene: PMM2 (phosphomannomutase 2; plus strand). Cytogenetic location: 16p13.2.
Variant type: single nucleotide variant.
Genome position: GRCh38 VCF-style: chr16-8797723-G-A. GRCh37 (hg19) VCF-style: chr16-8891580-G-A.
Identifiers: ClinVar variation 3032872 (VCV003032872.3), dbSNP rs142055952, ClinGen allele CA277481246.